The following is an entry in ClinVar:

ClinVar aggregate classification (germline): Uncertain significance (1 of 4 stars; one submission).

Submission:

GeneDx
Classification: Uncertain significance. Last evaluated: 2026-09-11. Review status: criteria provided, single submitter. Criteria: GeneDx Variant Classification Process June 2021. Collection method: clinical testing. Allele origin: germline.
Comment: Not observed at significant frequency in large population cohorts (gnomAD); In silico analysis supports that this missense variant has a deleterious effect on protein structure/function; Has not been previously published as pathogenic or benign to our knowledge; This variant is associated with the following publications: (PMID: 25641508)

NM_001278116.2(L1CAM):c.2368G>C (p.Ala790Pro)

Gene: L1CAM (L1 cell adhesion molecule; minus strand). Cytogenetic location: Xq28.
Variant type: single nucleotide variant.
Coding change: c.2368G>C on transcript NM_001278116.2 (MANE Select); coding-DNA position 2368, G replaced by C.
Protein change: p.Ala790Pro; replaces alanine 790 with proline.
Molecular consequence: missense variant.
Genome position (GRCh38, 1-based): chrX:153,866,712, C>G on the plus strand (G>C on the coding strand, the complement: L1CAM is on the minus strand). VCF-style: chrX-153866712-C-G. GRCh37 (hg19) VCF-style: chrX-153132167-C-G.
Other names: c.2368G>C, p.Ala790Pro (NM_000425.5, NM_024003.3); c.2353G>C, p.Ala785Pro (NM_001143963.2); short protein forms A785P, A790P.
Identifiers: ClinVar variation 2507224 (VCV002507224.2), dbSNP rs2520984422, ClinGen allele CA415120046.